The following is an entry in ClinVar:

ClinVar aggregate classification (germline): Uncertain significance. Review status: criteria provided, multiple submitters, no conflicts (2 of 4 stars). 2 submissions from 2 submitters: Uncertain significance (2). Last evaluated 2025-12-28.

Allele frequency attached by ClinVar (database versions not stated): TOPMed 0.00005; ESP Exome Variant Server 0.00015; gnomAD exomes 0.00001 and 0.00002; ExAC 0.00002; gnomAD 0.00002 and 0.00003.
gnomAD v4.1: 16 of 1,610,260 alleles (0.00099%); highest among the groups gnomAD compares: East Asian, 0.0089%; no homozygotes.

Submissions (2):

Labcorp Genetics (formerly Invitae), Labcorp
Classification: Uncertain significance. Last evaluated: 2025-12-28. Review status: criteria provided, single submitter. Criteria: Invitae Variant Classification Sherloc (09022015). Collection method: clinical testing. Allele origin: germline.
Comment: This sequence change replaces proline, which is neutral and non-polar, with leucine, which is neutral and non-polar, at codon 223 of the MYLK3 protein (p.Pro223Leu). This variant is present in population databases (rs375694298, gnomAD 0.007%). This variant has not been reported in the literature in individuals affected with MYLK3-related conditions. ClinVar contains an entry for this variant (Variation ID: 1515182). An algorithm developed to predict the effect of missense changes on protein structure and function outputs the following: PolyPhen-2: "Benign". The leucine amino acid residue is found in multiple mammalian species, which suggests that this missense change does not adversely affect protein function. In summary, the available evidence is currently insufficient to determine the role of this variant in disease. Therefore, it has been classified as a Variant of Uncertain Significance.

Ambry Genetics
Classification: Uncertain significance. Last evaluated: 2025-01-18. Review status: criteria provided, single submitter. Criteria: Ambry Variant Classification Scheme 2023. Collection method: clinical testing. Allele origin: germline.

NM_182493.3(MYLK3):c.668C>T (p.Pro223Leu)

Gene: MYLK3 (myosin light chain kinase 3; minus strand). Cytogenetic location: 16q11.2.
Variant type: single nucleotide variant.
Coding change: c.668C>T on transcript NM_182493.3 (MANE Select); coding-DNA position 668, C replaced by T.
Protein change: p.Pro223Leu; replaces proline 223 with leucine.
Molecular consequence: missense variant. On other transcripts: intron variant (1).
Genome position (GRCh38, 1-based): chr16:46,738,044, G>A on the plus strand (C>T on the coding strand, the complement: MYLK3 is on the minus strand). VCF-style: chr16-46738044-G-A. GRCh37 (hg19) VCF-style: chr16-46771956-G-A.
Other names: c.-23+2013C>T (NM_001308301.1); c.668C>T (NM_182493.2); short protein forms P223L.
Identifiers: ClinVar variation 1515182 (VCV001515182.7), dbSNP rs375694298, ClinGen allele CA8038168.
Genomic context (GRCh38, chr16:46,738,044, plus strand): 5'-GGCAGGGGCAGGTGGCCAGGGAATGCCTGGGCTGGGCCAGGAACACCATCTCCCTGGCCC[G>A]GTGAGACCACTGCCTGGGCGGGGTCAGCTCCCAGCCCTGACGCTCTGATGGGGGGCAGCC-3'
Protein context (NP_872299.2, residues 213-233): GADPAQAVVS[Pro223Leu]GQGDGVPGPA